The following is an entry in ClinVar:

ClinVar aggregate classification (germline): Pathogenic (1 of 4 stars; one submission).

Conditions:
Hypertrophic cardiomyopathy. Also called: HYPERTROPHIC MYOCARDIOPATHY. Identifiers: Orphanet 217569, MedGen C0007194, MeSH D002312, MONDO:0005045, HP:0001639.

Submission:

Labcorp Genetics (formerly Invitae), Labcorp
Classification: Pathogenic for Hypertrophic cardiomyopathy. Last evaluated: 2024-04-20. Review status: criteria provided, single submitter. Criteria: Invitae Variant Classification Sherloc (09022015). Collection method: clinical testing. Allele origin: germline.
Comment: This sequence change creates a premature translational stop signal (p.Leu66Alafs*49) in the MYBPC3 gene. It is expected to result in an absent or disrupted protein product. Loss-of-function variants in MYBPC3 are known to be pathogenic (PMID: 19574547). This variant is not present in population databases (gnomAD no frequency). This variant has not been reported in the literature in individuals affected with MYBPC3-related conditions. For these reasons, this variant has been classified as Pathogenic.

Literature cited by the submitters: PubMed 19574547.

NM_000256.3(MYBPC3):c.189_195dup (p.Leu66fs)

Gene: MYBPC3 (myosin binding protein C3; minus strand). Cytogenetic location: 11p11.2.
Variant type: Duplication.
Coding change: c.189_195dup on transcript NM_000256.3 (MANE Select); coding-DNA positions 189 to 195, 7 bases duplicated (GCATACG; older notation c.189_195dupGCATACG).
Protein change: p.Leu66fs; shifts the reading frame from leucine 66.
Molecular consequence: frameshift variant.
Genome position (GRCh38, 1-based): chr11:47,351,336-47,351,342, CGTATGC duplicated on the plus strand (GCATACG on the coding strand, the reverse complement: MYBPC3 is on the minus strand); duplicating any 7 consecutive bases within chr11:47,351,336-47,351,345 gives the same sequence; the c. name uses the placement nearest the transcript's 3' end. VCF-style (leftmost placement, unchanged base first): chr11-47351335-G-GCGTATGC. GRCh37 (hg19) VCF-style: chr11-47372886-G-GCGTATGC.
Other names: short protein forms L66fs.
Identifiers: ClinVar variation 3650474 (VCV003650474.2).
Genomic context (GRCh38, chr11:47,351,335, plus strand): 5'-AGGAGCCAGCAATGACTGCGTAAGATCCCTGGTCGGCAGGGCCCACTTCCCGCACTGTCA[G>GCGTATGC]CGTATGCCGTGTGCCCTCTGTGGCCAGGCCGTACTTGTTGCTGGCGCTGATGTCACTGCC-3'